The following is an entry in ClinVar:

ClinVar aggregate classification (germline): Benign/Likely benign. Review status: criteria provided, multiple submitters, no conflicts (2 of 4 stars). 9 submissions from 9 submitters: Benign (1); Likely benign (7). 1 of the submissions does not count toward it. Last evaluated 2026-01-26.

Conditions:
ATM-related disorder. Also called: ATM-related disorders; ATM-related condition.
Hereditary cancer-predisposing syndrome. Also called: Hereditary Cancer Syndrome; Tumor predisposition; Neoplastic Syndromes, Hereditary; Hereditary neoplastic syndrome. Identifiers: Orphanet 140162, MedGen C0027672, MeSH D009386, MONDO:0015356.
Breast and/or ovarian cancer. Identifiers: MedGen CN221562.
Familial cancer of breast. Also called: hereditary breast carcinoma; BREAST CANCER, FAMILIAL; Hereditary breast cancer. Identifiers: Orphanet 227535, MedGen C0346153, MONDO:0016419, OMIM 114480. Disease mechanism: loss of function.
Ataxia-telangiectasia syndrome (AT). Also called: ATAXIA-TELANGIECTASIA, COMPLEMENTATION GROUP A; ATAXIA-TELANGIECTASIA, FRESNO VARIANT; Ataxia-telangiectasia; Ataxia-telangiectasia, complementation group E; Cerebello-oculocutaneous telangiectasia; Immunodeficiency with ataxia telangiectasia. Identifiers: Orphanet 100, MedGen C0004135, MONDO:0008840, OMIM 208900.

Allele frequency attached by ClinVar (database versions not stated): gnomAD 0.00010 and 0.00011; TOPMed 0.00011; ExAC 0.00001; ESP Exome Variant Server 0.00008; gnomAD exomes 0.00002 and below 0.00001.
gnomAD v4.1: 21 of 1,611,454 alleles (0.0013%); highest among the groups gnomAD compares: African/African-American, 0.028%; no homozygotes.

Submissions (9):

Labcorp Genetics (formerly Invitae), Labcorp
Classification: Likely benign for Ataxia-telangiectasia syndrome. Last evaluated: 2026-01-26. Review status: criteria provided, single submitter. Criteria: Invitae Variant Classification Sherloc (09022015). Collection method: clinical testing. Allele origin: germline.

Women's Health and Genetics/Laboratory Corporation of America, LabCorp
Classification: Likely benign. Last evaluated: 2025-09-12. Review status: criteria provided, single submitter. Criteria: LabCorp Variant Classification Summary - May 2015. Collection method: clinical testing. Allele origin: germline.
Comment: Variant summary: ATM c.8154C>T (p.Gly2718Gly) alters a conserved nucleotide located close to a canonical splice site and therefore could affect mRNA splicing, leading to a significantly altered protein sequence. Consensus agreement among computation tools predict no significant impact on normal splicing. However, these predictions have yet to be confirmed by functional studies. The variant allele was found at a frequency of 1.6e-05 in 250806 control chromosomes. The available data on variant occurrences in the general population are insufficient to allow any conclusion about variant significance. To our knowledge, no occurrence of c.8154C>T in individuals affected with ATM-related conditions and no experimental evidence demonstrating its impact on protein function have been reported. ClinVar contains an entry for this variant (Variation ID: 185736). Based on the evidence outlined above, the variant was classified as likely benign.

Myriad Genetics, Inc.
Classification: Benign for Familial cancer of breast. Last evaluated: 2024-06-18. Review status: criteria provided, single submitter. Criteria: Myriad Autosomal Dominant, Autosomal Recessive and X-Linked Classification Criteria (2023). Collection method: clinical testing. Allele origin: unknown.
Comment: This variant is considered benign. This variant is a silent/synonymous amino acid change and it is not expected to impact splicing.

CHEO Genetics Diagnostic Laboratory, Children's Hospital of Eastern Ontario
Classification: Likely benign for Breast and/or ovarian cancer. Last evaluated: 2021-08-25. Review status: criteria provided, single submitter. Criteria: ACMG Guidelines, 2015. Collection method: clinical testing. Allele origin: germline.

Sema4
Classification: Likely benign for Hereditary cancer-predisposing syndrome. Last evaluated: 2021-06-08. Review status: criteria provided, single submitter. Criteria: Sema4 Curation Guidelines. Collection method: curation. Allele origin: germline.

GeneDx
Classification: Likely benign. Last evaluated: 2017-11-16. Review status: criteria provided, single submitter. Criteria: GeneDx Variant Classification (06012015). Collection method: clinical testing. Allele origin: germline. Affected: yes.
Comment: This variant is considered likely benign or benign based on one or more of the following criteria: it is a conservative change, it occurs at a poorly conserved position in the protein, it is predicted to be benign by multiple in silico algorithms, and/or has population frequency not consistent with disease.

Color Diagnostics, LLC DBA Color Health
Classification: Likely benign for Hereditary cancer-predisposing syndrome. Last evaluated: 2015-10-23. Review status: criteria provided, single submitter. Criteria: ACMG Guidelines, 2015. Collection method: clinical testing. Allele origin: germline.

Ambry Genetics
Classification: Likely benign for Hereditary cancer-predisposing syndrome. Last evaluated: 2014-08-01. Review status: criteria provided, single submitter. Criteria: Ambry Variant Classification Scheme 2023. Collection method: clinical testing. Allele origin: germline.

PreventionGenetics, part of Exact Sciences
Classification: Likely benign for ATM-related condition. Last evaluated: 2023-05-25. Review status: no assertion criteria provided. Collection method: clinical testing. Allele origin: germline. Not counted in ClinVar's aggregate classification.
Comment: This variant is classified as likely benign based on ACMG/AMP sequence variant interpretation guidelines (Richards et al. 2015 PMID: 25741868, with internal and published modifications).

NM_000051.4(ATM):c.8154C>T (p.Gly2718=)

Genes: C11orf65 (chromosome 11 open reading frame 65; minus strand), ATM (ATM serine/threonine kinase; plus strand). Cytogenetic location: 11q22.3.
Variant type: single nucleotide variant.
Coding change: c.8154C>T on transcript NM_000051.4 (MANE Select); coding-DNA position 8154, C replaced by T.
Protein change: p.Gly2718=; no amino-acid change (glycine 2718 retained).
Molecular consequence: synonymous variant. On other transcripts: intron variant (2).
Genome position (GRCh38, 1-based): chr11:108,335,847, C>T. VCF-style: chr11-108335847-C-T. GRCh37 (hg19) VCF-style: chr11-108206574-C-T.
Other names: c.8154C>T, p.Gly2718= (NM_001351834.2); c.641-26776G>A (NM_001330368.2); c.695-555G>A (NM_001351110.2).
Identifiers: ClinVar variation 185736 (VCV000185736.24), dbSNP rs371021126, ClinGen allele CA192791.